The following is an entry in ClinVar:

NM_007294.4(BRCA1):c.3800T>G (p.Leu1267Ter)

Genes: BRCA1 (BRCA1 DNA repair associated; minus strand), LOC126862571 (BRD4-independent group 4 enhancer GRCh37_chr17:41243136-41244335; plus strand). Cytogenetic location: 17q21.31.
Variant type: single nucleotide variant.
Coding change: c.3800T>G on transcript NM_007294.4 (MANE Select); coding-DNA position 3800, T replaced by G.
Protein change: p.Leu1267Ter; replaces leucine 1267 with a stop codon.
Molecular consequence: nonsense. On other transcripts: intron variant (135).
Genome position (GRCh38, 1-based): chr17:43,091,731, A>C on the plus strand (T>G on the coding strand, the complement: BRCA1 is on the minus strand). VCF-style: chr17-43091731-A-C. GRCh37 (hg19) VCF-style: chr17-41243748-A-C.
Other names: c.791-708T>G (NM_001408406.1); c.647-699T>G (NM_001408456.1, NM_001408410.1, NM_001408458.1 and 11 more transcripts); c.644-699T>G (NM_001408465.1, NM_001408463.1, NM_001408462.1 and 3 more transcripts); c.578-699T>G (NM_001408482.1, NM_001408484.1, NM_001408478.1 and 9 more transcripts); c.521-699T>G (NM_001408504.1, NM_001408503.1, NM_001408505.1); c.524-699T>G (NM_001408499.1, NM_001408498.1, NM_001408501.1 and 3 more transcripts); c.671-699T>G (NM_001408422.1, NM_001408418.1, NM_001408423.1 and 2 more transcripts); c.707-699T>G (NM_001408416.1, NM_001408413.1); and 41 more; short protein forms L1267*, L1220*, L1140*, L1156*, L1219*, L1225*, L1264*, L399*.
Identifiers: ClinVar variation 531441 (VCV000531441.9), dbSNP rs587782190, ClinGen allele CA10594370.

ClinVar aggregate classification (germline): Pathogenic. Review status: reviewed by expert panel (3 of 4 stars). 2 submissions from 2 submitters: Pathogenic (1). 1 of the submissions does not count toward it. Last evaluated 2017-12-15.

Conditions:
Hereditary breast ovarian cancer syndrome. Also called: Breast and ovarian cancer; Hereditary breast and/or ovarian cancer syndrome; BRCA1- and BRCA2-Associated Hereditary Breast and Ovarian Cancer; Hereditary breast and ovarian cancer syndrome; Hereditary breast and ovarian cancer syndrome (HBOC); Hereditary breast and ovarian cancer. Identifiers: Orphanet 145, MedGen C0677776, MeSH D061325, MONDO:0003582. Disease mechanism: loss of function.
Breast-ovarian cancer, familial, susceptibility to, 1 (BROVCA1). Also called: BRCA1 Hereditary Breast and Ovarian Cancer; OVARIAN CANCER, SUSCEPTIBILITY TO. Identifiers: Orphanet 145, MedGen C2676676, MONDO:0011450, OMIM 604370. Disease mechanism: loss of function.

Submissions (2):

Evidence-based Network for the Interpretation of Germline Mutant Alleles (ENIGMA)
Classification: Pathogenic for Breast-ovarian cancer, familial, susceptibility to, 1. Last evaluated: 2017-12-15. Review status: reviewed by expert panel. Criteria: ENIGMA BRCA1/2 Classification Criteria (2017-06-29). Collection method: curation. Allele origin: germline. Study: ENIGMA.
Comment: Variant allele predicted to encode a truncated non-functional protein.

Labcorp Genetics (formerly Invitae), Labcorp
Classification: Pathogenic for Hereditary breast ovarian cancer syndrome. Last evaluated: 2017-10-03. Review status: criteria provided, single submitter. Criteria: Invitae Variant Classification Sherloc (09022015). Collection method: clinical testing. Allele origin: germline. Not counted in ClinVar's aggregate classification.
Comment: This sequence change creates a premature translational stop signal (p.Leu1267*) in the BRCA1 gene. It is expected to result in an absent or disrupted protein product. This variant is not present in population databases (ExAC no frequency). This variant has been reported in an individual in the Leiden Open-source Variation Database (PMID: 21520333). Loss-of-function variants in BRCA1 are known to be pathogenic (PMID: 20104584). For these reasons, this variant has been classified as Pathogenic.

Literature cited by the submitters: PubMed 21520333 (cited by Labcorp Genetics (formerly Invitae), Labcorp); PubMed 20104584 (cited by Labcorp Genetics (formerly Invitae), Labcorp).